The following is an entry in ClinVar:

ClinVar aggregate classification (germline): Uncertain significance (1 of 4 stars; one submission).

Conditions:
Inborn genetic diseases. Identifiers: MedGen C0950123, MeSH D030342.

Submission:

Ambry Genetics
Classification: Uncertain significance for Inborn genetic diseases. Last evaluated: 2025-05-24. Review status: criteria provided, single submitter. Criteria: Ambry Variant Classification Scheme 2023. Collection method: clinical testing. Allele origin: germline.
Comment: The p.A293V variant (also known as c.878C>T), located in coding exon 8 of the CEP57 gene, results from a C to T substitution at nucleotide position 878. The alanine at codon 293 is replaced by valine, an amino acid with similar properties. This amino acid position is conserved. In addition, the in silico prediction for this alteration is inconclusive. Based on the available evidence, the clinical significance of this variant remains unclear.

NM_014679.5(CEP57):c.878C>T (p.Ala293Val)

Gene: CEP57 (centrosomal protein 57; plus strand). Cytogenetic location: 11q21.
Variant type: single nucleotide variant.
Coding change: c.878C>T on transcript NM_014679.5 (MANE Select); coding-DNA position 878, C replaced by T.
Protein change: p.Ala293Val; replaces alanine 293 with valine.
Molecular consequence: missense variant. On other transcripts: intron variant (1).
Genome position (GRCh38, 1-based): chr11:95,822,569, C>T. VCF-style: chr11-95822569-C-T. GRCh37 (hg19) VCF-style: chr11-95555733-C-T.
Other names: c.851C>T, p.Ala284Val (NM_001243776.2); c.797C>T, p.Ala266Val (NM_001363604.2); c.807+591C>T (NM_001243777.2); short protein forms A284V, A266V, A293V.
Identifiers: ClinVar variation 4001063 (VCV004001063.1).